The following is an entry in ClinVar:

NM_144670.6(A2ML1):c.2825C>A (p.Thr942Asn)

Gene: A2ML1 (alpha-2-macroglobulin like 1; plus strand). Cytogenetic location: 12p13.31.
Variant type: single nucleotide variant.
Coding change: c.2825C>A on transcript NM_144670.6 (MANE Select); coding-DNA position 2825, C replaced by A.
Protein change: p.Thr942Asn; replaces threonine 942 with asparagine.
Molecular consequence: missense variant.
Genome position (GRCh38, 1-based): chr12:8,855,569, C>A. VCF-style: chr12-8855569-C-A. GRCh37 (hg19) VCF-style: chr12-9008165-C-A.
Other names: c.1352C>A, p.Thr451Asn (NM_001282424.3); c.2825C>A (NM_144670.3); short protein forms T451N, T942N.
Identifiers: ClinVar variation 2735192 (VCV002735192.5), dbSNP rs1031689016, ClinGen allele CA232694055.

ClinVar aggregate classification (germline): Uncertain significance. Review status: criteria provided, multiple submitters, no conflicts (2 of 4 stars). 2 submissions from 2 submitters: Uncertain significance (2). Last evaluated 2025-12-11.

Allele frequency attached by ClinVar (database versions not stated): TOPMed 0.00001; gnomAD 0.00001; gnomAD exomes below 0.00001.
gnomAD v4.1: 7 of 1,613,996 alleles (0.00043%); highest among the groups gnomAD compares: Admixed American, 0.0017%; no homozygotes.

Submissions (2):

Ambry Genetics
Classification: Uncertain significance. Last evaluated: 2025-12-11. Review status: criteria provided, single submitter. Criteria: Ambry Variant Classification Scheme 2023. Collection method: clinical testing. Allele origin: germline.
Comment: The p.T942N variant (also known as c.2825C>A), located in coding exon 23 of the A2ML1 gene, results from a C to A substitution at nucleotide position 2825. The threonine at codon 942 is replaced by asparagine, an amino acid with similar properties. This amino acid position is conserved. In addition, this alteration is predicted to be tolerated by in silico analysis. Since supporting evidence is limited at this time, the clinical significance of this alteration remains unclear.

Labcorp Genetics (formerly Invitae), Labcorp
Classification: Uncertain significance. Last evaluated: 2025-12-02. Review status: criteria provided, single submitter. Criteria: Invitae Variant Classification Sherloc (09022015). Collection method: clinical testing. Allele origin: germline.
Comment: This sequence change replaces threonine, which is neutral and polar, with asparagine, which is neutral and polar, at codon 942 of the A2ML1 protein (p.Thr942Asn). This variant is present in population databases (no rsID available, gnomAD 0.003%). This variant has not been reported in the literature in individuals affected with A2ML1-related conditions. ClinVar contains an entry for this variant (Variation ID: 2735192). An algorithm developed to predict the effect of missense changes on protein structure and function (PolyPhen-2) suggests that this variant is likely to be tolerated. In summary, the available evidence is currently insufficient to determine the role of this variant in disease. Therefore, it has been classified as a Variant of Uncertain Significance.